The following is an entry in ClinVar:

ClinVar aggregate classification (germline): Likely benign. Review status: criteria provided, single submitter (1 of 4 stars). 2 submissions from 2 submitters: Likely benign (1). 1 of the submissions does not count toward it. Last evaluated 2024-09-24.

Conditions:
XYLT2-related disorder. Also called: XYLT2-related condition.

gnomAD v4.1: 18 of 1,614,230 alleles (0.0011%); highest among the groups gnomAD compares: East Asian, 0.013%; no homozygotes.

Submissions (2):

Labcorp Genetics (formerly Invitae), Labcorp
Classification: Likely benign. Last evaluated: 2024-09-24. Review status: criteria provided, single submitter. Criteria: Invitae Variant Classification Sherloc (09022015). Collection method: clinical testing. Allele origin: germline.

PreventionGenetics, part of Exact Sciences
Classification: Likely benign for XYLT2-related condition. Last evaluated: 2024-06-02. Review status: no assertion criteria provided. Collection method: clinical testing. Allele origin: germline. Not counted in ClinVar's aggregate classification.
Comment: This variant is classified as likely benign based on ACMG/AMP sequence variant interpretation guidelines (Richards et al. 2015 PMID: 25741868, with internal and published modifications).

NM_022167.4(XYLT2):c.1131C>T (p.Cys377=)

Gene: XYLT2 (xylosyltransferase 2; plus strand). Cytogenetic location: 17q21.33.
Variant type: single nucleotide variant.
Coding change: c.1131C>T on transcript NM_022167.4 (MANE Select); coding-DNA position 1131, C replaced by T.
Protein change: p.Cys377=; no amino-acid change (cysteine 377 retained).
Molecular consequence: synonymous variant.
Genome position (GRCh38, 1-based): chr17:50,355,823, C>T. VCF-style: chr17-50355823-C-T. GRCh37 (hg19) VCF-style: chr17-48433184-C-T.
Identifiers: ClinVar variation 3355313 (VCV003355313.3).